The following is an entry in ClinVar:

ClinVar aggregate classification (germline): Uncertain significance. Review status: criteria provided, multiple submitters, no conflicts (2 of 4 stars). 2 submissions from 2 submitters: Uncertain significance (2). Last evaluated 2025-05-28.

Conditions:
Inborn genetic diseases. Identifiers: MedGen C0950123, MeSH D030342.

Allele frequency attached by ClinVar (database versions not stated): gnomAD exomes below 0.00001; TOPMed below 0.00001.
gnomAD v4.1: 6 of 1,614,162 alleles (0.00037%); highest among the groups gnomAD compares: Non-Finnish European, 0.00051%; no homozygotes.

Submissions (2):

Ambry Genetics
Classification: Uncertain significance for Inborn genetic diseases. Last evaluated: 2025-05-28. Review status: criteria provided, single submitter. Criteria: Ambry Variant Classification Scheme 2023. Collection method: clinical testing. Allele origin: germline.

Labcorp Genetics (formerly Invitae), Labcorp
Classification: Uncertain significance. Last evaluated: 2023-02-13. Review status: criteria provided, single submitter. Criteria: Invitae Variant Classification Sherloc (09022015). Collection method: clinical testing. Allele origin: germline.
Comment: This sequence change replaces proline, which is neutral and non-polar, with serine, which is neutral and polar, at codon 1855 of the ANK3 protein (p.Pro1855Ser). This variant is not present in population databases (gnomAD no frequency). This variant has not been reported in the literature in individuals affected with ANK3-related conditions. ClinVar contains an entry for this variant (Variation ID: 1483578). Advanced modeling of protein sequence and biophysical properties (such as structural, functional, and spatial information, amino acid conservation, physicochemical variation, residue mobility, and thermodynamic stability) performed at Invitae indicates that this missense variant is not expected to disrupt ANK3 protein function. In summary, the available evidence is currently insufficient to determine the role of this variant in disease. Therefore, it has been classified as a Variant of Uncertain Significance.

NM_020987.5(ANK3):c.5563C>T (p.Pro1855Ser)

Gene: ANK3 (ankyrin 3; minus strand). Cytogenetic location: 10q21.2.
Variant type: single nucleotide variant.
Coding change: c.5563C>T on transcript NM_020987.5 (MANE Select); coding-DNA position 5563, C replaced by T.
Protein change: p.Pro1855Ser; replaces proline 1855 with serine.
Molecular consequence: missense variant. On other transcripts: intron variant (4).
Genome position (GRCh38, 1-based): chr10:60,075,318, G>A on the plus strand (C>T on the coding strand, the complement: ANK3 is on the minus strand). VCF-style: chr10-60075318-G-A. GRCh37 (hg19) VCF-style: chr10-61835076-G-A.
Other names: c.5563C>T (NM_020987.3); c.4387+5219C>T (NM_001204403.2); c.4408+5219C>T (NM_001204404.2); c.4405+5219C>T (NM_001320874.2); c.1807+5219C>T (NM_001149.4); short protein forms P1855S.
Identifiers: ClinVar variation 1483578 (VCV001483578.7), dbSNP rs1019505222, ClinGen allele CA207325691.
Genomic context (GRCh38, chr10:60,075,318, plus strand): 5'-GAGATGAAGTTCGACTGAAGTGAGGCTGAGGATGTGTCTCCGTAGTCAATGTTTTAATGG[G>A]TGACAGCAAGGCTGCTGCTGATTTTGTAAATGAATTAGAGTCTGGAAGTTTCTTTAATGC-3'
Protein context (NP_066267.2, residues 1845-1865): FTKSAAALLS[Pro1855Ser]IKTLTTETHP